The following is an entry in ClinVar:

NM_006218.4(PIK3CA):c.3080C>T (p.Ala1027Val)

Gene: PIK3CA (phosphatidylinositol-4,5-bisphosphate 3-kinase catalytic subunit alpha; plus strand). Cytogenetic location: 3q26.32.
Variant type: single nucleotide variant.
Coding change: c.3080C>T on transcript NM_006218.4 (MANE Select); coding-DNA position 3080, C replaced by T.
Protein change: p.Ala1027Val; replaces alanine 1027 with valine.
Molecular consequence: missense variant.
Genome position (GRCh38, 1-based): chr3:179,234,237, C>T. VCF-style: chr3-179234237-C-T. GRCh37 (hg19) VCF-style: chr3-178952025-C-T.
Other names: short protein forms A1027V.
Identifiers: ClinVar variation 4529872 (VCV004529872.1).

ClinVar aggregate classification (germline): Uncertain significance (1 of 4 stars; one submission).

Submission:

GeneDx
Classification: Uncertain significance. Last evaluated: 2025-05-14. Review status: criteria provided, single submitter. Criteria: GeneDx Variant Classification Process June 2021. Collection method: clinical testing. Allele origin: germline. Affected: yes.
Comment: Not observed at significant frequency in large population cohorts (gnomAD); In silico analysis suggests that this missense variant does not alter protein structure/function; Has not been previously published as pathogenic or benign to our knowledge